The following is an entry in ClinVar:

ClinVar aggregate classification (germline): Uncertain significance (1 of 4 stars; one submission).

Submission:

Labcorp Genetics (formerly Invitae), Labcorp
Classification: Uncertain significance. Last evaluated: 2024-08-12. Review status: criteria provided, single submitter. Criteria: Invitae Variant Classification Sherloc (09022015). Collection method: clinical testing. Allele origin: germline.
Comment: This sequence change replaces valine, which is neutral and non-polar, with glycine, which is neutral and non-polar, at codon 3116 of the CPLANE1 protein (p.Val3116Gly). This variant is not present in population databases (gnomAD no frequency). This variant has not been reported in the literature in individuals affected with CPLANE1-related conditions. ClinVar contains an entry for this variant (Variation ID: 2156086). Advanced modeling of protein sequence and biophysical properties (such as structural, functional, and spatial information, amino acid conservation, physicochemical variation, residue mobility, and thermodynamic stability) performed at Invitae indicates that this missense variant is not expected to disrupt CPLANE1 protein function with a negative predictive value of 95%. In summary, the available evidence is currently insufficient to determine the role of this variant in disease. Therefore, it has been classified as a Variant of Uncertain Significance.

NM_001384732.1(CPLANE1):c.9509T>G (p.Val3170Gly)

Gene: CPLANE1 (ciliogenesis and planar polarity effector complex subunit 1; minus strand). Cytogenetic location: 5p13.2.
Variant type: single nucleotide variant.
Coding change: c.9509T>G on transcript NM_001384732.1 (MANE Select); coding-DNA position 9509, T replaced by G.
Protein change: p.Val3170Gly; replaces valine 3170 with glycine.
Molecular consequence: missense variant.
Genome position (GRCh38, 1-based): chr5:37,108,363, A>C on the plus strand (T>G on the coding strand, the complement: CPLANE1 is on the minus strand). VCF-style: chr5-37108363-A-C. GRCh37 (hg19) VCF-style: chr5-37108465-A-C.
Other names: c.9347T>G, p.Val3116Gly (NM_023073.4); short protein forms V3170G, V3116G.
Identifiers: ClinVar variation 2156086 (VCV002156086.4), dbSNP rs2546354958, ClinGen allele CA359489788.
Genomic context (GRCh38, chr5:37,108,363, plus strand): 5'-GAATTGTGACTCTCATGAAGAATCTTATGGATTTCTGAAGGTATCGTCCAGGGACTCACC[A>C]CAGTCTCCTCTCTTTCATACTCTACACACACCTGCTTGGTTTGAGGTGCAAGCCCAGCAC-3'
Protein context (NP_001371661.1, residues 3160-3180): VCVEYEREET[Val3170Gly]VSPWTIPSEI